The following is an entry in ClinVar:

NM_000368.5(TSC1):c.682C>T (p.Arg228Ter)

Gene: TSC1 (TSC complex subunit 1; minus strand). Cytogenetic location: 9q34.13.
Variant type: single nucleotide variant.
Coding change: c.682C>T on transcript NM_000368.5 (MANE Select); coding-DNA position 682, C replaced by T.
Protein change: p.Arg228Ter; replaces arginine 228 with a stop codon.
Molecular consequence: nonsense.
Genome position (GRCh38, 1-based): chr9:132,921,418, G>A on the plus strand (C>T on the coding strand, the complement: TSC1 is on the minus strand). VCF-style: chr9-132921418-G-A. GRCh37 (hg19) VCF-style: chr9-135796805-G-A.
Other names: p.R228*:CGA>TGA; c.682C>T, p.Arg228Ter (NM_001162426.2); c.529C>T, p.Arg177Ter (NM_001162427.2); c.319C>T, p.Arg107Ter (NM_001362177.2); short protein forms R228*, R177*, R107*.
Identifiers: ClinVar variation 49083 (VCV000049083.25), dbSNP rs118203427, ClinGen allele CA008021.

ClinVar aggregate classification (germline): Pathogenic. Review status: criteria provided, multiple submitters, no conflicts (2 of 4 stars). 13 submissions from 13 submitters: Pathogenic (12). 1 of the submissions does not count toward it. Last evaluated 2025-10-21.

Conditions:
TSC1-related disorder. Also called: TSC1-related condition.
Lymphangiomyomatosis (LAM). Also called: Lymphangioleiomyomatosis, somatic; Lymphangioleiomyomatosis. Identifiers: Orphanet 538, MedGen C0751674, MONDO:0011705, OMIM 606690.
Tuberous sclerosis 1 (TSC1). Identifiers: Orphanet 805, MedGen C1854465, MONDO:0008612, OMIM 191100.
Isolated focal cortical dysplasia type II (FCORD2). Also called: CORTICAL DYSPLASIA OF TAYLOR; Focal cortical dysplasia type II. Identifiers: Orphanet 268994, MedGen C1846385, MONDO:0011818, OMIM 607341, HP:0032051.
Hereditary cancer-predisposing syndrome. Also called: Tumor predisposition; Neoplastic Syndromes, Hereditary; Hereditary neoplastic syndrome; Hereditary Cancer Syndrome. Identifiers: Orphanet 140162, MedGen C0027672, MeSH D009386, MONDO:0015356.
Tuberous sclerosis syndrome (TSC). Also called: Tuberous Sclerosis Complex; Tuberous sclerosis. Identifiers: Orphanet 805, MedGen C0041341, MONDO:0001734.

Allele frequency attached by ClinVar (database versions not stated): gnomAD exomes below 0.00001.
gnomAD v4.1: 1 of 1,614,090 alleles (0.000062%); highest among the groups gnomAD compares: Non-Finnish European, 0.000085%; no homozygotes.

Submissions (13):

NHS Central & South Genomic Laboratory Hub
Classification: Pathogenic for Tuberous sclerosis. Last evaluated: 2025-10-21. Review status: criteria provided, single submitter. Criteria: ACMG Guidelines, 2015. Collection method: clinical testing. Allele origin: germline. Affected: yes.

Labcorp Genetics (formerly Invitae), Labcorp
Classification: Pathogenic for Tuberous sclerosis 1. Last evaluated: 2025-09-13. Review status: criteria provided, single submitter. Criteria: Invitae Variant Classification Sherloc (09022015). Collection method: clinical testing. Allele origin: germline.
Comment: This sequence change creates a premature translational stop signal (p.Arg228*) in the TSC1 gene. It is expected to result in an absent or disrupted protein product. Loss-of-function variants in TSC1 are known to be pathogenic (PMID: 10227394, 17304050). This variant is not present in population databases (gnomAD no frequency). This premature translational stop signal has been observed in individual(s) with tuberous sclerosis (PMID: 9803264, 9924605, 10090883, 10533067, 16114042). It has also been observed to segregate with disease in related individuals. Invitae Evidence Modeling of clinical and family history, age, sex, and reported ancestry of multiple individuals with this TSC1 variant has been performed. This variant is expected to be pathogenic with a positive predictive value of at least 99%. This is a validated machine learning model that incorporates the clinical features of 1,224,362 individuals referred to our laboratory for TSC1 testing. This variant is also known as 903C>T (R228X). ClinVar contains an entry for this variant (Variation ID: 49083). RNA analysis performed to evaluate the impact of this premature translational stop signal on mRNA splicing indicates it does not significantly alter splicing (internal data). For these reasons, this variant has been classified as Pathogenic.

Ambry Genetics
Classification: Pathogenic for Hereditary cancer-predisposing syndrome. Last evaluated: 2023-12-21. Review status: criteria provided, single submitter. Criteria: Ambry Variant Classification Scheme 2023. Collection method: clinical testing. Allele origin: germline.
Comment: The p.R228* pathogenic mutation (also known as c.682C>T), located in coding exon 6 of the TSC1 gene, results from a C to T substitution at nucleotide position 682. This changes the amino acid from an arginine to a stop codon within coding exon 6. This alteration has been observed in multiple individuals with a personal history that is consistent with TSC1-related disease (Au KS et al. Genet Med, 2007 Feb;9:88-100; Di Marco F et al. BMC Pulm Med, 2017 Jul;17:107; Rosset C et al. PLoS One, 2017 Oct;12:e0185713; Reyna-Fabi&aacute;n ME et al. Sci Rep, 2020 Apr;10:6589; Ding Y et al. Front Genet, 2020 Mar;11:204; Jayasinghe K et al. Genet Med, 2021 Jan;23:183-191; Togi S et al. Int J Mol Sci, 2022 Sep;23). In addition to the clinical data presented in the literature, this alteration is expected to result in loss of function by premature protein truncation or nonsense-mediated mRNA decay. As such, this alteration is interpreted as a disease-causing mutation.

Division of Genomic Medicine, Department of Advanced Medicine, Medical Research Institute, Kanazawa Medical University
Classification: Pathogenic for Tuberous sclerosis 1. Last evaluated: 2022-07-17. Review status: criteria provided, single submitter. Criteria: ACMG Guidelines, 2015. Collection method: clinical testing. Allele origin: germline. Affected: yes. Observed: 1 variant allele.

GeneDx
Classification: Pathogenic. Last evaluated: 2022-06-15. Review status: criteria provided, single submitter. Criteria: GeneDx Variant Classification Process June 2021. Collection method: clinical testing. Allele origin: germline. Affected: yes.
Comment: Nonsense variant predicted to result in protein truncation or nonsense mediated decay in a gene for which loss of function is a known mechanism of disease; Not observed at significant frequency in large population cohorts (gnomAD); This variant is associated with the following publications: (PMID: 10533067, 17304050, 21510812, 16114042, 10090883, 10363127, 9924605, 15798777, 25525159, 28754097, 28968464, 29655203, 32313033, 27406250, 32461669, 32211034, 29476190, 32939031, 9803264)

Genome-Nilou Lab
Classification: Pathogenic for Tuberous sclerosis 1. Last evaluated: 2021-11-07. Review status: criteria provided, single submitter. Criteria: ACMG Guidelines, 2015. Collection method: clinical testing. Allele origin: germline. Affected: no.

Baylor Genetics
Classification: Pathogenic for Tuberous sclerosis 1. Last evaluated: 2020-02-14. Review status: criteria provided, single submitter. Criteria: ACMG Guidelines, 2015. Collection method: clinical testing. Allele origin: unknown. Affected: yes.
Comment: This variant was determined to be pathogenic according to ACMG Guidelines, 2015 [PMID:25741868].

Blueprint Genetics
Classification: Pathogenic for TSC1-related disorders. Last evaluated: 2019-08-29. Review status: criteria provided, single submitter. Criteria: ACMG Guidelines, 2015. Collection method: clinical testing. Allele origin: germline. Affected: yes. Observed: 1 variant allele.

Victorian Clinical Genetics Services, Murdoch Childrens Research Institute
Classification: Pathogenic for Tuberous sclerosis 1. Last evaluated: 2018-06-20. Review status: criteria provided, single submitter. Criteria: ACMG Guidelines, 2015. Collection method: clinical testing. Allele origin: unknown. Affected: yes.
Comment: A heterozygous nonsense variant, NM_000368.4(TSC1):c.682C>T, has been identified in exon 8 of 23 of the TSC1 gene. The variant is predicted to result in a premature stop codon at position 228 of the protein, NP_000359.1(TSC1):p.(Arg228*). This variant is predicted to result in loss of protein function either through truncation (including three quarters of the protein) or nonsense-mediated decay. The variant is absent in population databases (gnomAD, dbSNP, 1000G). However, this variant has previously been described as pathogenic in multiple patients with tuberous sclerosis complex (ClinVar, LOVD TSC1 locus specific database). These cases have either been proven de novo and or been shown to segregate with this condition, with cases of germline mosaicism reported (Au, K., et al. (2007), Rendtorff, N., et al. (2005), Rose, V., et al. (1999)). Other truncating variants downstream of this variant have been reported in individuals with tuberous sclerosis syndrome. Based on the information available at the time of curation, this variant has been classified as PATHOGENIC.

Fulgent Genetics
Classification: Pathogenic for Tuberous sclerosis 1; Lymphangiomyomatosis; Isolated focal cortical dysplasia type II. Last evaluated: 2017-05-18. Review status: criteria provided, single submitter. Criteria: ACMG Guidelines, 2015. Collection method: clinical testing. Allele origin: unknown.

Athena Diagnostics
Classification: Pathogenic for Tuberous sclerosis 1. Last evaluated: 2014-09-05. Review status: criteria provided, single submitter. Criteria: Athena Diagnostics Criteria. Collection method: clinical testing. Allele origin: germline. Inheritance: Autosomal dominant inheritance.

Clinical Genetics Service, Universitary Hospital 12 de Octubre
Classification: Pathogenic for Tuberous sclerosis 1. Review status: criteria provided, single submitter. Criteria: ACMG Guidelines, 2015. Collection method: clinical testing. Allele origin: germline. Affected: yes.

Tuberous sclerosis database (TSC1)
No classification provided. Condition: TSC. Review status: no classification provided. Criteria: Tuberous Sclerosis Database Assertion Criteria 2015. Collection method: curation. Allele origin: germline. Affected: yes. Not counted in ClinVar's aggregate classification.

Literature cited by the submitters: PubMed 10227394 (cited by Labcorp Genetics (formerly Invitae), Labcorp); PubMed 17304050 (cited by Labcorp Genetics (formerly Invitae), Labcorp and Ambry Genetics); PubMed 9803264 (cited by Labcorp Genetics (formerly Invitae), Labcorp and Athena Diagnostics); PubMed 9924605 (cited by Labcorp Genetics (formerly Invitae), Labcorp and Athena Diagnostics); PubMed 10090883 (cited by Labcorp Genetics (formerly Invitae), Labcorp); PubMed 10533067 (cited by Labcorp Genetics (formerly Invitae), Labcorp and Athena Diagnostics); PubMed 16114042 (cited by Labcorp Genetics (formerly Invitae), Labcorp); PubMed 28754097 (cited by Ambry Genetics); PubMed 28968464 (cited by Ambry Genetics); PubMed 32211034 (cited by Ambry Genetics); PubMed 32313033 (cited by Ambry Genetics); PubMed 32939031 (cited by Ambry Genetics); PubMed 36232477 (cited by Ambry Genetics); PubMed 10363127 (cited by Athena Diagnostics).